The following is an entry in ClinVar:

ClinVar aggregate classification (germline): Uncertain significance (1 of 4 stars; one submission).

Conditions:
Hereditary cancer-predisposing syndrome. Also called: Hereditary Cancer Syndrome; Hereditary neoplastic syndrome; Tumor predisposition; Neoplastic Syndromes, Hereditary. Identifiers: Orphanet 140162, MedGen C0027672, MeSH D009386, MONDO:0015356.

Submission:

Ambry Genetics
Classification: Uncertain significance for Hereditary cancer-predisposing syndrome. Last evaluated: 2021-11-03. Review status: criteria provided, single submitter. Criteria: Ambry Variant Classification Scheme 2023. Collection method: clinical testing. Allele origin: germline.
Comment: The p.L80P variant (also known as c.239T>C), located in coding exon 2 of the PDGFRA gene, results from a T to C substitution at nucleotide position 239. The leucine at codon 80 is replaced by proline, an amino acid with similar properties. This amino acid position is conserved. In addition, this alteration is predicted to be tolerated by in silico analysis. Since supporting evidence is limited at this time, the clinical significance of this alteration remains unclear.

NM_006206.6(PDGFRA):c.239T>C (p.Leu80Pro)

Gene: PDGFRA (platelet derived growth factor receptor alpha; plus strand). Cytogenetic location: 4q12.
Variant type: single nucleotide variant.
Coding change: c.239T>C on transcript NM_006206.6 (MANE Select); coding-DNA position 239, T replaced by C.
Protein change: p.Leu80Pro; replaces leucine 80 with proline.
Molecular consequence: missense variant.
Genome position (GRCh38, 1-based): chr4:54,261,284, T>C. VCF-style: chr4-54261284-T-C. GRCh37 (hg19) VCF-style: chr4-55127451-T-C.
Other names: c.239T>C, p.Leu80Pro (NM_001347827.2, NM_001347829.2); c.314T>C, p.Leu105Pro (NM_001347828.2); c.278T>C, p.Leu93Pro (NM_001347830.2); short protein forms L105P, L80P, L93P.
Identifiers: ClinVar variation 1790694 (VCV001790694.2), dbSNP rs2475422674, ClinGen allele CA356888610.